The following is an entry in ClinVar:

NM_016180.5(SLC45A2):c.128T>C (p.Phe43Ser)

Gene: SLC45A2 (solute carrier family 45 member 2; minus strand). Cytogenetic location: 5p13.2.
Variant type: single nucleotide variant.
Coding change: c.128T>C on transcript NM_016180.5 (MANE Select); coding-DNA position 128, T replaced by C.
Protein change: p.Phe43Ser; replaces phenylalanine 43 with serine.
Molecular consequence: missense variant.
Genome position (GRCh38, 1-based): chr5:33,984,456, A>G on the plus strand (T>C on the coding strand, the complement: SLC45A2 is on the minus strand). VCF-style: chr5-33984456-A-G. GRCh37 (hg19) VCF-style: chr5-33984561-A-G.
Other names: c.128T>C, p.Phe43Ser (NM_001012509.4, NM_001297417.4); short protein forms F43S.
Identifiers: ClinVar variation 4813772 (VCV004813772.1).

ClinVar aggregate classification (germline): Likely pathogenic (1 of 4 stars; one submission).

Conditions:
Oculocutaneous albinism type 4 (OCA4). Also called: Albinism, oculocutaneous, type IV. Identifiers: Orphanet 79435, MedGen C1847836, MONDO:0011683, OMIM 606574.

gnomAD v4.1: 5 of 1,613,752 alleles (0.00031%); highest among the groups gnomAD compares: African/African-American, 0.0013%; no homozygotes.

Submission:

Variantyx, Inc.
Classification: Likely pathogenic for Oculocutaneous albinism type 4. Last evaluated: 2025-11-24. Review status: criteria provided, single submitter. Criteria: Variantyx Assertion Criteria 2022. Collection method: clinical testing. Allele origin: germline. Inheritance: Autosomal recessive inheritance. Affected: yes.
Comment: This is a nonsynonymous variant in the SLC45A2 gene (OMIM: 606202). Pathogenic variants in this gene have been associated with autosomal recessive oculocutaneous albinism type IV. The clinical symptoms reported for this individual are highly specific for autosomal recessive oculocutaneous albinism type IV, which has a limited genetic etiology (PMID: 20301683) (PP4). Multiple computational algorithms predict a deleterious effect for this variant (REVEL score: 0.882) (PP3). This variant has a 0.0013% maximum allele frequency in non-founder control populations (PM2) and has not been reported in individuals with SLC45A2-related disorders in the databases available for review. Based on the current evidence, this variant is classified as likely pathogenic for autosomal recessive oculocutaneous albinism type IV.

Literature cited by the submitters: PubMed 20301683.